The following is an entry in ClinVar:

ClinVar aggregate classification (germline): Uncertain significance (1 of 4 stars; one submission).

Conditions:
CNGA1-related disorder. Also called: CNGA1-related condition.

Submission:

PreventionGenetics, part of Exact Sciences
Classification: Uncertain significance for CNGA1-related condition. Last evaluated: 2026-06-25. Review status: criteria provided, single submitter. Criteria: ACMG Guidelines, 2015. Collection method: clinical testing. Allele origin: germline.
Comment: The CNGA1 c.581C>A variant is predicted to result in the amino acid substitution p.Ser194Tyr. To our knowledge, this variant has not been reported in the literature or in a large population database (gnomAD), indicating this variant is rare. At this time, the clinical significance of this variant is uncertain due to the absence of conclusive functional and genetic evidence.

NM_001379270.1(CNGA1):c.569C>A (p.Ser190Tyr)

Genes: CNGA1 (cyclic nucleotide gated channel subunit alpha 1; minus strand), LOC101927157 (uncharacterized LOC101927157; plus strand). Cytogenetic location: 4p12.
Variant type: single nucleotide variant.
Coding change: c.569C>A on transcript NM_001379270.1 (MANE Select); coding-DNA position 569, C replaced by A.
Protein change: p.Ser190Tyr; replaces serine 190 with tyrosine.
Molecular consequence: missense variant.
Genome position (GRCh38, 1-based): chr4:47,940,846, G>T on the plus strand (C>A on the coding strand, the complement: CNGA1 is on the minus strand). VCF-style: chr4-47940846-G-T. GRCh37 (hg19) VCF-style: chr4-47942863-G-T.
Other names: c.569C>A, p.Ser190Tyr (NM_000087.5, NM_001142564.2); short protein forms S190Y.
Identifiers: ClinVar variation 5002377 (VCV005002377.1).